The following is an entry in ClinVar:

ClinVar aggregate classification (germline): Uncertain significance. Review status: criteria provided, multiple submitters, no conflicts (2 of 4 stars). 2 submissions from 2 submitters: Uncertain significance (2). Last evaluated 2025-10-08.

Conditions:
Inborn genetic diseases. Identifiers: MedGen C0950123, MeSH D030342.

gnomAD v4.1: 35 of 1,610,426 alleles (0.0022%); highest among the groups gnomAD compares: East Asian, 0.0067%; no homozygotes.

Submissions (2):

Labcorp Genetics (formerly Invitae), Labcorp
Classification: Uncertain significance. Last evaluated: 2025-10-08. Review status: criteria provided, single submitter. Criteria: Invitae Variant Classification Sherloc (09022015). Collection method: clinical testing. Allele origin: germline.
Comment: This sequence change replaces valine, which is neutral and non-polar, with isoleucine, which is neutral and non-polar, at codon 91 of the STX3 protein (p.Val91Ile). This variant is present in population databases (rs200311584, gnomAD 0.02%). This variant has not been reported in the literature in individuals affected with STX3-related conditions. ClinVar contains an entry for this variant (Variation ID: 1371983). An algorithm developed to predict the effect of missense changes on protein structure and function (PolyPhen-2) suggests that this variant is likely to be tolerated. In summary, the available evidence is currently insufficient to determine the role of this variant in disease. Therefore, it has been classified as a Variant of Uncertain Significance.

Ambry Genetics
Classification: Uncertain significance for Inborn genetic diseases. Last evaluated: 2024-04-17. Review status: criteria provided, single submitter. Criteria: Ambry Variant Classification Scheme 2023. Collection method: clinical testing. Allele origin: germline.

NM_004177.5(STX3):c.271G>A (p.Val91Ile)

Gene: STX3 (syntaxin 3; plus strand). Cytogenetic location: 11q12.1.
Variant type: single nucleotide variant.
Coding change: c.271G>A on transcript NM_004177.5 (MANE Select); coding-DNA position 271, G replaced by A.
Protein change: p.Val91Ile; replaces valine 91 with isoleucine.
Molecular consequence: missense variant.
Genome position (GRCh38, 1-based): chr11:59,788,929, G>A. VCF-style: chr11-59788929-G-A. GRCh37 (hg19) VCF-style: chr11-59556402-G-A.
Other names: c.271G>A, p.Val91Ile (NM_001178040.3); short protein forms V91I.
Identifiers: ClinVar variation 1371983 (VCV001371983.7), dbSNP rs200311584, ClinGen allele CA6020794.